The following is an entry in ClinVar:

NM_000044.6(AR):c.463G>T (p.Glu155Ter)

Gene: AR (androgen receptor; plus strand). Cytogenetic location: Xq12.
Variant type: single nucleotide variant.
Coding change: c.463G>T on transcript NM_000044.6 (MANE Select); coding-DNA position 463, G replaced by T.
Protein change: p.Glu155Ter; replaces glutamic acid 155 with a stop codon.
Molecular consequence: nonsense. On other transcripts: 5 prime UTR variant (1).
Genome position (GRCh38, 1-based): chrX:67,545,609, G>T. VCF-style: chrX-67545609-G-T. GRCh37 (hg19) VCF-style: chrX-66765451-G-T.
Other names: c.-1321G>T (NM_001011645.3); c.463G>T, p.Glu155Ter (NM_001348061.1, NM_001348063.1, NM_001348064.1); short protein forms E155*.
Identifiers: ClinVar variation 852260 (VCV000852260.9), dbSNP rs764126853, ClinGen allele CA413424938.
Genomic context (GRCh38, chrX:67,545,609, plus strand): 5'-CCTGGAGCCGCCGTGGCCGCCAGCAAGGGGCTGCCGCAGCAGCTGCCAGCACCTCCGGAC[G>T]AGGATGACTCAGCTGCCCCATCCACGTTGTCCCTGCTGGGCCCCACTTTCCCCGGCTTAA-3'

ClinVar aggregate classification (germline): Pathogenic (1 of 4 stars; one submission).

Conditions:
Androgen resistance syndrome (AIS). Also called: TESTICULAR FEMINIZATION SYNDROME; Androgen insensitivity, complete; Androgen insensitivity syndrome; Androgen insensitivity syndrome due to coactivator deficiency; DHTR DEFICIENCY; ANDROGEN RECEPTOR DEFICIENCY. Identifiers: Orphanet 754, Orphanet 99429, MedGen C0039585, MONDO:0019154, OMIM 300068. Disease mechanism: loss of function.
Kennedy disease (SMAX1). Also called: KENNEDY SPINAL AND BULBAR MUSCULAR ATROPHY; Spinal and Bulbar Muscular Atrophy; SPINAL AND BULBAR MUSCULAR ATROPHY, X-LINKED 1. Identifiers: Orphanet 481, MedGen C1839259, MONDO:0010735, OMIM 313200.

Submission:

Labcorp Genetics (formerly Invitae), Labcorp
Classification: Pathogenic for Kennedy disease; Androgen resistance syndrome. Last evaluated: 2019-03-13. Review status: criteria provided, single submitter. Criteria: Invitae Variant Classification Sherloc (09022015). Collection method: clinical testing. Allele origin: germline.
Comment: For these reasons, this variant has been classified as Pathogenic. Loss-of-function variants in AR are known to be pathogenic (PMID: 19463997). This variant has been observed to be hemizygous in individuals affected with complete androgen insensitivity syndrome (PMID: 11225909, 22334387, Invitae). This variant is also known as E153X in the literature. This variant is not present in population databases (ExAC no frequency). This sequence change creates a premature translational stop signal (p.Glu155*) in the AR gene. It is expected to result in an absent or disrupted protein product.

Literature cited by the submitters: PubMed 19463997; PubMed 11225909; PubMed 22334387.